The following is an entry in ClinVar:

NM_014244.5(ADAMTS2):c.84GCC[7] (p.Pro34dup)

Gene: ADAMTS2 (ADAM metallopeptidase with thrombospondin type 1 motif 2; minus strand). Cytogenetic location: 5q35.3.
Variant type: Microsatellite.
Coding change: c.84GCC[7] on transcript NM_014244.5 (MANE Select); seven copies in a row of the 3-base unit GCC starting at c.84; the reference has six copies in a row; one copy, 3 bases duplicated; also written c.99_101dup.
Protein change: p.Pro34dup; duplicates proline 34.
Molecular consequence: inframe insertion.
Genome position (GRCh38, 1-based): chr5:179,345,228-179,345,230, GGC duplicated on the plus strand (GCC on the coding strand, the reverse complement: ADAMTS2 is on the minus strand); duplicating any 3 consecutive bases within chr5:179,345,228-179,345,245 gives the same sequence; the position shown is the placement nearest the transcript's 3' end. VCF-style (leftmost placement, unchanged base first): chr5-179345227-G-GGGC. GRCh37 (hg19) VCF-style: chr5-178772228-G-GGGC.
Other names: p.Pro34dup; c.99_101dupGCC (NM_014244.5); c.84GCC[7], p.Pro34dup (NM_021599.4); c.99_101dup (NM_014244.5).
Identifiers: ClinVar variation 509635 (VCV000509635.16), dbSNP rs770212030, ClinGen allele CA565121205.

ClinVar aggregate classification (germline): Conflicting classifications of pathogenicity. Review status: criteria provided, conflicting classifications (1 of 4 stars). 7 submissions from 7 submitters: Uncertain significance (3); Likely benign (3). 1 of the submissions does not count toward it. Last evaluated 2025-12-15.

Conditions:
Ehlers-Danlos syndrome (EDS). Identifiers: Orphanet 98249, MedGen C0013720, MONDO:0020066.
Ehlers-Danlos syndrome, dermatosparaxis type. Also called: Ehlers-Danlos syndrome, type VII, autosomal recessive; EDS VIIC; Dermatosparaxis. Identifiers: Orphanet 1901, MedGen C2700425, MONDO:0009161, OMIM 225410.

Submissions (7):

Women's Health and Genetics/Laboratory Corporation of America, LabCorp
Classification: Uncertain significance. Last evaluated: 2025-12-15. Review status: criteria provided, single submitter. Criteria: LabCorp Variant Classification Summary - May 2015. Collection method: clinical testing. Allele origin: germline.
Comment: Variant summary: ADAMTS2 c.99_101dupGCC (p.Pro34dup) results in an in-frame duplication that is predicted to duplicate one amino acid into the encoded protein. The frequency data for this variant in gnomAD is considered unreliable, as metrics indicate poor data quality at this position. To our knowledge, no occurrence of c.99_101dupGCC in individuals affected with ADAMTS2-related conditions and no experimental evidence demonstrating its impact on protein function have been reported. ClinVar contains an entry for this variant (Variation ID: 509635). Based on the evidence outlined above, the variant was classified as uncertain significance.

Mayo Clinic Laboratories, Mayo Clinic
Classification: Likely benign. Last evaluated: 2025-05-20. Review status: criteria provided, single submitter. Criteria: ACMG Guidelines, 2015. Collection method: clinical testing. Allele origin: germline. Observed: 6 variant alleles.
Comment: BP3, BP4

Blueprint Genetics
Classification: Likely benign. Last evaluated: 2024-08-30. Review status: criteria provided, single submitter. Criteria: ACMG Guidelines, 2015. Collection method: clinical testing. Allele origin: germline.

Labcorp Genetics (formerly Invitae), Labcorp
Classification: Uncertain significance for Ehlers-Danlos syndrome, dermatosparaxis type. Last evaluated: 2022-10-26. Review status: criteria provided, single submitter. Criteria: Invitae Variant Classification Sherloc (09022015). Collection method: clinical testing. Allele origin: germline.
Comment: This variant, c.99_101dup, results in the insertion of 1 amino acid(s) of the ADAMTS2 protein (p.Pro34dup), but otherwise preserves the integrity of the reading frame. The frequency data for this variant in the population databases is considered unreliable, as metrics indicate poor data quality at this position in the gnomAD database. This variant has not been reported in the literature in individuals affected with ADAMTS2-related conditions. ClinVar contains an entry for this variant (Variation ID: 509635). Experimental studies and prediction algorithms are not available or were not evaluated, and the functional significance of this variant is currently unknown. In summary, the available evidence is currently insufficient to determine the role of this variant in disease. Therefore, it has been classified as a Variant of Uncertain Significance.

Genome Diagnostics Laboratory, The Hospital for Sick Children
Classification: Uncertain significance for Ehlers-Danlos syndrome. Last evaluated: 2022-03-14. Review status: criteria provided, single submitter. Criteria: ACMG Guidelines, 2015. Collection method: clinical testing. Allele origin: germline.

GeneDx
Classification: Likely benign. Last evaluated: 2020-08-05. Review status: criteria provided, single submitter. Criteria: GeneDx Variant Classification Process June 2021. Collection method: clinical testing. Allele origin: germline. Affected: yes.
Comment: In-frame duplication of 1 amino acids in a repetitive region with no known function; In silico analysis supports that this variant does not alter protein structure/function; Has not been previously published as pathogenic or benign to our knowledge

Natera, Inc.
Classification: Uncertain significance for Ehlers-Danlos syndrome type VIIC. Last evaluated: 2025-02-17. Review status: no assertion criteria provided. Collection method: clinical testing. Allele origin: germline. Not counted in ClinVar's aggregate classification.